The following is an entry in ClinVar:

NM_080680.3(COL11A2):c.269T>G (p.Val90Gly)

Gene: COL11A2 (collagen type XI alpha 2 chain; minus strand). Cytogenetic location: 6p21.32.
Variant type: single nucleotide variant.
Coding change: c.269T>G on transcript NM_080680.3 (MANE Select); coding-DNA position 269, T replaced by G.
Protein change: p.Val90Gly; replaces valine 90 with glycine.
Molecular consequence: missense variant.
Genome position (GRCh38, 1-based): chr6:33,189,152, A>C on the plus strand (T>G on the coding strand, the complement: COL11A2 is on the minus strand). VCF-style: chr6-33189152-A-C. GRCh37 (hg19) VCF-style: chr6-33156929-A-C.
Other names: c.269T>G, p.Val90Gly (NM_001163771.2, NM_080679.3, NM_080681.3); short protein forms V90G.
Identifiers: ClinVar variation 1717815 (VCV001717815.6), dbSNP rs2535553541, ClinGen allele CA363612790.

ClinVar aggregate classification (germline): Uncertain significance (1 of 4 stars; one submission).

Submission:

Labcorp Genetics (formerly Invitae), Labcorp
Classification: Uncertain significance. Last evaluated: 2022-07-19. Review status: criteria provided, single submitter. Criteria: Invitae Variant Classification Sherloc (09022015). Collection method: clinical testing. Allele origin: germline.
Comment: This sequence change replaces valine, which is neutral and non-polar, with glycine, which is neutral and non-polar, at codon 90 of the COL11A2 protein (p.Val90Gly). This variant is not present in population databases (gnomAD no frequency). This variant has not been reported in the literature in individuals affected with COL11A2-related conditions. Advanced modeling of protein sequence and biophysical properties (such as structural, functional, and spatial information, amino acid conservation, physicochemical variation, residue mobility, and thermodynamic stability) performed at Invitae indicates that this missense variant is not expected to disrupt COL11A2 protein function. In summary, the available evidence is currently insufficient to determine the role of this variant in disease. Therefore, it has been classified as a Variant of Uncertain Significance.